The following is an entry in ClinVar:

ClinVar aggregate classification (germline): Uncertain significance (1 of 4 stars; one submission).

Conditions:
3-methylglutaconic aciduria type 1 (MGCA1). Identifiers: Orphanet 67046, MedGen C0342727, MONDO:0009610, OMIM 250950.

Submission:

Labcorp Genetics (formerly Invitae), Labcorp
Classification: Uncertain significance for 3-methylglutaconic aciduria type 1. Last evaluated: 2025-01-07. Review status: criteria provided, single submitter. Criteria: Invitae Variant Classification Sherloc (09022015). Collection method: clinical testing. Allele origin: germline.
Comment: This sequence change replaces lysine, which is basic and polar, with asparagine, which is neutral and polar, at codon 246 of the AUH protein (p.Lys246Asn). This variant is not present in population databases (gnomAD no frequency). This variant has not been reported in the literature in individuals affected with AUH-related conditions. Invitae Evidence Modeling of protein sequence and biophysical properties (such as structural, functional, and spatial information, amino acid conservation, physicochemical variation, residue mobility, and thermodynamic stability) indicates that this missense variant is not expected to disrupt AUH protein function with a negative predictive value of 80%. In summary, the available evidence is currently insufficient to determine the role of this variant in disease. Therefore, it has been classified as a Variant of Uncertain Significance.

NM_001698.3(AUH):c.738A>T (p.Lys246Asn)

Gene: AUH (AU RNA binding methylglutaconyl-CoA hydratase; minus strand). Cytogenetic location: 9q22.31.
Variant type: single nucleotide variant.
Coding change: c.738A>T on transcript NM_001698.3 (MANE Select); coding-DNA position 738, A replaced by T.
Protein change: p.Lys246Asn; replaces lysine 246 with asparagine.
Molecular consequence: missense variant.
Genome position (GRCh38, 1-based): chr9:91,220,910, T>A on the plus strand (A>T on the coding strand, the complement: AUH is on the minus strand). VCF-style: chr9-91220910-T-A. GRCh37 (hg19) VCF-style: chr9-93983192-T-A.
Other names: c.651A>T, p.Lys217Asn (NM_001306190.2); c.411A>T, p.Lys137Asn (NM_001351431.2, NM_001351432.2, NM_001351433.2); short protein forms K137N, K217N, K246N.
Identifiers: ClinVar variation 3688448 (VCV003688448.2).